The following is an entry in ClinVar:

NM_000576.3(IL1B):c.315C>T (p.Phe105=)

Gene: IL1B (interleukin 1 beta; minus strand). Cytogenetic location: 2q14.1.
Variant type: single nucleotide variant.
Coding change: c.315C>T on transcript NM_000576.3 (MANE Select); coding-DNA position 315, C replaced by T.
Protein change: p.Phe105=; no amino-acid change (phenylalanine 105 retained).
Molecular consequence: synonymous variant.
Genome position (GRCh38, 1-based): chr2:112,832,813, G>A on the plus strand (C>T on the coding strand, the complement: IL1B is on the minus strand). VCF-style: chr2-112832813-G-A. GRCh37 (hg19) VCF-style: chr2-113590390-G-A.
Other names: c.315C>T (NM_000576.2).
Identifiers: ClinVar variation 869137 (VCV000869137.6), dbSNP rs1143634, ClinGen allele CA1837320.

ClinVar aggregate classification (germline): Benign; Affects; association; other. Review status: no assertion criteria provided (0 of 4 stars). 4 submissions from 4 submitters: Benign (1). Last evaluated 2022-12-10.

Conditions:
Cholangiocarcinoma. Identifiers: Orphanet 70567, MedGen C0206698, MeSH D018281, MONDO:0019087, HP:0030153.
Endometriosis. Also called: Endometriosis (disease). Identifiers: MedGen C0014175, MeSH D004715, MONDO:0005133, HP:0030127.
Antisynthetase syndrome. Identifiers: Orphanet 81, MedGen C5959873, MONDO:0019344.
IL1B-related disorder. Also called: IL1B-related condition.

Allele frequency attached by ClinVar (database versions not stated): gnomAD 0.19486 and 0.19146; ESP Exome Variant Server 0.20421; gnomAD exomes 0.22143 and 0.19182; 1000 Genomes Project 30x 0.13398; TOPMed 0.18244; 1000 Genomes Project 0.13279; ExAC 0.19644.

Submissions (4):

Department of Surgery, Campus Charité Mitte | Campus Virchow-klinikum, Charite-Universitaetsmedizin Berlin
Classification: other for Cholangiocarcinoma. Last evaluated: 2022-12-10. Review status: no assertion criteria provided. Collection method: research. Allele origin: germline. Affected: yes.
Comment: C/C genotype associated with significantly shorter OS after surgical resection of intrahepatic CCA

Laboratorio de Investigación del Departamento de Salud, Universidad Iberoamericana A.C.
Classification: Affects for Endometriosis. Last evaluated: 2021-10-20. Review status: no assertion criteria provided. Collection method: case-control. Allele origin: somatic. Affected: yes.
Comment: Mexican mestizo women with severe stage of endometriosis have higher frequencies of TNF*2-, IL1B*2- and IL1RN*2-alleles, which may explain a possible correlation with disease severity rather than predisposition or risk.

Pneumogenomics Laboratory, Instituto Nacional de Enfermedades Respiratorias Ismael Cosio Villegas
Classification: association for Antisynthetase syndrome. Last evaluated: 2020-02-10. Review status: no assertion criteria provided. Collection method: case-control. Allele origin: germline. Affected: yes.

PreventionGenetics, part of Exact Sciences
Classification: Benign for IL1B-related condition. Last evaluated: 2019-11-19. Review status: no assertion criteria provided. Collection method: clinical testing. Allele origin: germline.
Comment: This variant is classified as benign based on ACMG/AMP sequence variant interpretation guidelines (Richards et al. 2015 PMID: 25741868, with internal and published modifications).

Literature cited by the submitters: PubMed 18550579 (cited by Department of Surgery, Campus Charité Mitte | Campus Virchow-klinikum, Charite-Universitaetsmedizin Berlin).